The following is an entry in ClinVar:

NM_006206.6(PDGFRA):c.472C>G (p.Pro158Ala)

Gene: PDGFRA (platelet derived growth factor receptor alpha; plus strand). Cytogenetic location: 4q12.
Variant type: single nucleotide variant.
Coding change: c.472C>G on transcript NM_006206.6 (MANE Select); coding-DNA position 472, C replaced by G.
Protein change: p.Pro158Ala; replaces proline 158 with alanine.
Molecular consequence: missense variant.
Genome position (GRCh38, 1-based): chr4:54,263,771, C>G. VCF-style: chr4-54263771-C-G. GRCh37 (hg19) VCF-style: chr4-55129938-C-G.
Other names: c.472C>G, p.Pro158Ala (NM_001347827.2, NM_001347829.2); c.547C>G, p.Pro183Ala (NM_001347828.2); c.511C>G, p.Pro171Ala (NM_001347830.2); short protein forms P158A, P183A, P171A.
Identifiers: ClinVar variation 1971633 (VCV001971633.5), dbSNP rs1722881009, ClinGen allele CA356889896.

ClinVar aggregate classification (germline): Uncertain significance (1 of 4 stars; one submission).

Conditions:
Gastrointestinal stromal tumor. Also called: Gastrointestinal stroma tumor; Gastrointestinal stromal tumor, somatic. Identifiers: Orphanet 44890, MedGen C0238198, MeSH D046152, MONDO:0011719, OMIM 606764, HP:0100723.

Submission:

Labcorp Genetics (formerly Invitae), Labcorp
Classification: Uncertain significance for Gastrointestinal stromal tumor. Last evaluated: 2025-02-23. Review status: criteria provided, single submitter. Criteria: Invitae Variant Classification Sherloc (09022015). Collection method: clinical testing. Allele origin: germline.
Comment: This sequence change replaces proline, which is neutral and non-polar, with alanine, which is neutral and non-polar, at codon 158 of the PDGFRA protein (p.Pro158Ala). This variant is not present in population databases (gnomAD no frequency). This variant has not been reported in the literature in individuals affected with PDGFRA-related conditions. ClinVar contains an entry for this variant (Variation ID: 1971633). Invitae Evidence Modeling of protein sequence and biophysical properties (such as structural, functional, and spatial information, amino acid conservation, physicochemical variation, residue mobility, and thermodynamic stability) indicates that this missense variant is not expected to disrupt PDGFRA protein function with a negative predictive value of 80%. In summary, the available evidence is currently insufficient to determine the role of this variant in disease. Therefore, it has been classified as a Variant of Uncertain Significance.